The following is an entry in ClinVar:

NM_000465.4(BARD1):c.1391C>T (p.Pro464Leu)

Gene: BARD1 (BRCA1 associated RING domain 1; minus strand). Cytogenetic location: 2q35.
Variant type: single nucleotide variant.
Coding change: c.1391C>T on transcript NM_000465.4 (MANE Select); coding-DNA position 1391, C replaced by T.
Protein change: p.Pro464Leu; replaces proline 464 with leucine.
Molecular consequence: missense variant. On other transcripts: non-coding transcript variant (3), intron variant (3).
Genome position (GRCh38, 1-based): chr2:214,769,236, G>A on the plus strand (C>T on the coding strand, the complement: BARD1 is on the minus strand). VCF-style: chr2-214769236-G-A. GRCh37 (hg19) VCF-style: chr2-215633960-G-A.
Other names: c.1334C>T, p.Pro445Leu (NM_001282543.2); c.159-16681C>T (NM_001282548.2); c.216-16681C>T (NM_001282545.2); c.364+23061C>T (NM_001282549.2); short protein forms P464L, P445L.
Identifiers: ClinVar variation 1347816 (VCV001347816.12), dbSNP rs2106081070, ClinGen allele CA350450065.

ClinVar aggregate classification (germline): Uncertain significance. Review status: criteria provided, multiple submitters, no conflicts (2 of 4 stars). 2 submissions from 2 submitters: Uncertain significance (2). Last evaluated 2025-03-04.

Conditions:
Hereditary cancer-predisposing syndrome. Also called: Hereditary neoplastic syndrome; Tumor predisposition; Neoplastic Syndromes, Hereditary; Hereditary Cancer Syndrome. Identifiers: Orphanet 140162, MedGen C0027672, MeSH D009386, MONDO:0015356.
Familial cancer of breast. Also called: hereditary breast carcinoma; Hereditary breast cancer; BREAST CANCER, FAMILIAL. Identifiers: Orphanet 227535, MedGen C0346153, MONDO:0016419, OMIM 114480. Disease mechanism: loss of function.

Submissions (2):

Ambry Genetics
Classification: Uncertain significance for Hereditary cancer-predisposing syndrome. Last evaluated: 2025-03-04. Review status: criteria provided, single submitter. Criteria: Ambry Variant Classification Scheme 2023. Collection method: clinical testing. Allele origin: germline.
Comment: The p.P464L variant (also known as c.1391C>T), located in coding exon 5 of the BARD1 gene, results from a C to T substitution at nucleotide position 1391. The proline at codon 464 is replaced by leucine, an amino acid with similar properties. This amino acid position is well conserved in available vertebrate species. In addition, this alteration is predicted to be deleterious by in silico analysis. Since supporting evidence is limited at this time, the clinical significance of this alteration remains unclear.

Labcorp Genetics (formerly Invitae), Labcorp
Classification: Uncertain significance for Familial cancer of breast. Last evaluated: 2024-05-21. Review status: criteria provided, single submitter. Criteria: Invitae Variant Classification Sherloc (09022015). Collection method: clinical testing. Allele origin: germline.
Comment: This sequence change replaces proline, which is neutral and non-polar, with leucine, which is neutral and non-polar, at codon 464 of the BARD1 protein (p.Pro464Leu). This variant is not present in population databases (gnomAD no frequency). This variant has not been reported in the literature in individuals affected with BARD1-related conditions. ClinVar contains an entry for this variant (Variation ID: 1347816). An algorithm developed to predict the effect of missense changes on protein structure and function (PolyPhen-2) suggests that this variant is likely to be disruptive. In summary, the available evidence is currently insufficient to determine the role of this variant in disease. Therefore, it has been classified as a Variant of Uncertain Significance.